The following is an entry in ClinVar:

NM_002184.4(IL6ST):c.2626G>A (p.Ala876Thr)

Gene: IL6ST (interleukin 6 cytokine family signal transducer; minus strand). Cytogenetic location: 5q11.2.
Variant type: single nucleotide variant.
Coding change: c.2626G>A on transcript NM_002184.4 (MANE Select); coding-DNA position 2626, G replaced by A.
Protein change: p.Ala876Thr; replaces alanine 876 with threonine.
Molecular consequence: missense variant. On other transcripts: 3 prime UTR variant (1), non-coding transcript variant (2).
Genome position (GRCh38, 1-based): chr5:55,941,213, C>T on the plus strand (G>A on the coding strand, the complement: IL6ST is on the minus strand). VCF-style: chr5-55941213-C-T. GRCh37 (hg19) VCF-style: chr5-55237041-C-T.
Other names: c.2443G>A, p.Ala815Thr (NM_001190981.2); c.2524G>A, p.Ala842Thr (NM_001364275.2); c.2416G>A, p.Ala806Thr (NM_001364276.2); c.1759G>A, p.Ala587Thr (NM_001364277.2); c.1723G>A, p.Ala575Thr (NM_001364278.2); c.1630G>A, p.Ala544Thr (NM_001364279.2); c.*1553G>A (NM_175767.3); short protein forms A815T, A842T, A806T, A575T, A876T, A544T, A587T.
Identifiers: ClinVar variation 4778030 (VCV004778030.1).
Genomic context (GRCh38, chr5:55,941,213, plus strand): 5'-CAGCCTCCATGCCAACTGTTTCAAATCTTTCTACTTGTCCCTCAGTACCTGGACCAAAAG[C>T]ATCTGCTGCAGAAACTTCCTGAAACATTTTCATTTGCCCAGATCCACAGGATTGTGAAAT-3'
Protein context (NP_002175.2, residues 866-886): KMFQEVSAAD[Ala876Thr]FGPGTEGQVE

ClinVar aggregate classification (germline): Uncertain significance (1 of 4 stars; one submission).

gnomAD v4.1: 6 of 1,614,050 alleles (0.00037%); highest among the groups gnomAD compares: Non-Finnish European, 0.00051%; no homozygotes.

Submission:

Labcorp Genetics (formerly Invitae), Labcorp
Classification: Uncertain significance. Last evaluated: 2025-09-21. Review status: criteria provided, single submitter. Criteria: Invitae Variant Classification Sherloc (09022015). Collection method: clinical testing. Allele origin: germline.
Comment: This sequence change replaces alanine, which is neutral and non-polar, with threonine, which is neutral and polar, at codon 876 of the IL6ST protein (p.Ala876Thr). This variant is present in population databases (no rsID available, gnomAD 0.007%). This variant has not been reported in the literature in individuals affected with IL6ST-related conditions. An algorithm developed to predict the effect of missense changes on protein structure and function outputs the following: PolyPhen-2: "Benign". The threonine amino acid residue is found in multiple mammalian species, which suggests that this missense change does not adversely affect protein function. In summary, the available evidence is currently insufficient to determine the role of this variant in disease. Therefore, it has been classified as a Variant of Uncertain Significance.